The following is an entry in ClinVar:

ClinVar aggregate classification (germline): Uncertain significance (1 of 4 stars; one submission).

Allele frequency attached by ClinVar (database versions not stated): TOPMed below 0.00001.

Submission:

GeneDx
Classification: Uncertain significance. Last evaluated: 2023-11-03. Review status: criteria provided, single submitter. Criteria: GeneDx Variant Classification Process June 2021. Collection method: clinical testing. Allele origin: germline.
Comment: Not observed at significant frequency in large population cohorts (gnomAD); In silico analysis supports that this missense variant has a deleterious effect on protein structure/function; Has not been previously published as pathogenic or benign to our knowledge

NM_198503.5(KCNT2):c.1528T>C (p.Tyr510His)

Gene: KCNT2 (potassium sodium-activated channel subfamily T member 2; minus strand). Cytogenetic location: 1q31.3.
Variant type: single nucleotide variant.
Coding change: c.1528T>C on transcript NM_198503.5 (MANE Select); coding-DNA position 1528, T replaced by C.
Protein change: p.Tyr510His; replaces tyrosine 510 with histidine.
Molecular consequence: missense variant. On other transcripts: non-coding transcript variant (2), intron variant (1).
Genome position (GRCh38, 1-based): chr1:196,342,104, A>G on the plus strand (T>C on the coding strand, the complement: KCNT2 is on the minus strand). VCF-style: chr1-196342104-A-G. GRCh37 (hg19) VCF-style: chr1-196311234-A-G.
Other names: c.1528T>C, p.Tyr510His (NM_001287819.3); c.1404-1534T>C (NM_001287820.3); short protein forms Y510H.
Identifiers: ClinVar variation 1699767 (VCV001699767.3), dbSNP rs1665690526, ClinGen allele CA343979600.